The following is an entry in ClinVar:

ClinVar aggregate classification (germline): Likely benign (1 of 4 stars; one submission).

gnomAD v4.1: 1 of 1,613,896 alleles (0.000062%); highest among the groups gnomAD compares: Non-Finnish European, 0.000085%; no homozygotes.

Submission:

CeGaT Center for Human Genetics Tuebingen
Classification: Likely benign. Last evaluated: 2025-03-01. Review status: criteria provided, single submitter. Criteria: CeGaT Center For Human Genetics Tuebingen Variant Classification Criteria Version 2. Collection method: clinical testing. Allele origin: germline. Affected: yes. Observed: 1 variant allele.
Comment: DNAH11: BP4, BP7

NM_001277115.2(DNAH11):c.7023A>G (p.Ser2341=)

Gene: DNAH11 (dynein axonemal heavy chain 11; plus strand). Cytogenetic location: 7p15.3.
Variant type: single nucleotide variant.
Coding change: c.7023A>G on transcript NM_001277115.2 (MANE Select); coding-DNA position 7023, A replaced by G.
Protein change: p.Ser2341=; no amino-acid change (serine 2341 retained).
Molecular consequence: synonymous variant.
Genome position (GRCh38, 1-based): chr7:21,717,814, A>G. VCF-style: chr7-21717814-A-G. GRCh37 (hg19) VCF-style: chr7-21757432-A-G.
Identifiers: ClinVar variation 3778368 (VCV003778368.7).